The following is an entry in ClinVar:

NM_000135.4(FANCA):c.2212C>T (p.Pro738Ser)

Gene: FANCA (FA complementation group A; minus strand). Cytogenetic location: 16q24.3.
Variant type: single nucleotide variant.
Coding change: c.2212C>T on transcript NM_000135.4 (MANE Select); coding-DNA position 2212, C replaced by T.
Protein change: p.Pro738Ser; replaces proline 738 with serine.
Molecular consequence: missense variant.
Genome position (GRCh38, 1-based): chr16:89,770,574, G>A on the plus strand (C>T on the coding strand, the complement: FANCA is on the minus strand). VCF-style: chr16-89770574-G-A. GRCh37 (hg19) VCF-style: chr16-89836982-G-A.
Other names: c.2212C>T, p.Pro738Ser (NM_001286167.3); c.2212C>T (NM_000135.2, NM_000135.3); short protein forms P738S.
Identifiers: ClinVar variation 1419981 (VCV001419981.12), dbSNP rs751015814, ClinGen allele CA8251847.

ClinVar aggregate classification (germline): Conflicting classifications of pathogenicity. Review status: criteria provided, conflicting classifications (1 of 4 stars). 4 submissions from 4 submitters: Uncertain significance (3); Likely benign (1). Last evaluated 2025-06-12.

Conditions:
Fanconi anemia (FA). Also called: Fanconi's anemia. Identifiers: Orphanet 84, MedGen C0015625, MeSH D005199, MONDO:0019391.
Fanconi anemia complementation group A (FANCA). Also called: FANCA-Related Fanconi Anemia; Fanconi anemia, group A. Identifiers: Orphanet 84, MedGen C3469521, MONDO:0009215, OMIM 227650.
Inborn genetic diseases. Identifiers: MedGen C0950123, MeSH D030342.

Allele frequency attached by ClinVar (database versions not stated): gnomAD 0.00005.
gnomAD v4.1: 14 of 1,610,218 alleles (0.00087%); highest among the groups gnomAD compares: African/African-American, 0.019%; no homozygotes.

Submissions (4):

Labcorp Genetics (formerly Invitae), Labcorp
Classification: Likely benign for Fanconi anemia. Last evaluated: 2025-06-12. Review status: criteria provided, single submitter. Criteria: Invitae Variant Classification Sherloc (09022015). Collection method: clinical testing. Allele origin: germline.

Ambry Genetics
Classification: Uncertain significance for Inborn genetic diseases. Last evaluated: 2024-12-12. Review status: criteria provided, single submitter. Criteria: Ambry Variant Classification Scheme 2023. Collection method: clinical testing. Allele origin: germline.
Comment: The p.P738S variant (also known as c.2212C>T), located in coding exon 24 of the FANCA gene, results from a C to T substitution at nucleotide position 2212. The proline at codon 738 is replaced by serine, an amino acid with similar properties. This amino acid position is conserved. In addition, this alteration is predicted to be tolerated by in silico analysis. Based on the available evidence, the clinical significance of this variant remains unclear.

Quest Diagnostics Nichols Institute San Juan Capistrano
Classification: Uncertain significance. Last evaluated: 2024-04-19. Review status: criteria provided, single submitter. Criteria: Quest Diagnostics criteria. Collection method: clinical testing. Allele origin: unknown.
Comment: The FANCA c.2212C>T (p.Pro738Ser) variant has not been reported in individuals with FANCA-related conditions in the published literature. The frequency of this variant in the general population, 0.00017 (4/23930 chromosomes (Genome Aggregation Database)), is uninformative in the assessment of its pathogenicity. Analysis of this variant using bioinformatics tools for the prediction of the effect of amino acid changes on protein structure and function yielded predictions that this variant is benign. Based on the available information, we are unable to determine the clinical significance of this variant.

Fulgent Genetics
Classification: Uncertain significance for Fanconi anemia complementation group A. Last evaluated: 2022-04-14. Review status: criteria provided, single submitter. Criteria: ACMG Guidelines, 2015. Collection method: clinical testing. Allele origin: unknown.